The following is an entry in ClinVar:

ClinVar aggregate classification (germline): Uncertain significance. Review status: criteria provided, multiple submitters, no conflicts (2 of 4 stars). 2 submissions from 2 submitters: Uncertain significance (2). Last evaluated 2026-03-24.

Conditions:
Pfeiffer syndrome (ACS5). Also called: ACS V. Identifiers: Orphanet 710, MedGen C0220658, MONDO:0007043, OMIM 101600.
Hypogonadotropic hypogonadism 2 with or without anosmia (HH2). Also called: FGFR1-Related GnRH Deficiency (Kallmann Syndrome 2); HYPOGONADOTROPIC HYPOGONADISM 2 WITH OR WITHOUT ANOSMIA, SUSCEPTIBILITY TO; HYPOGONADOTROPIC HYPOGONADISM 2 WITHOUT ANOSMIA, SUSCEPTIBILITY TO; HYPOGONADOTROPIC HYPOGONADISM 2 WITHOUT ANOSMIA. Identifiers: Orphanet 478, MedGen C1563720, MONDO:0007844, OMIM 147950. Disease mechanism: loss of function.

gnomAD v4.1: 15 of 1,614,204 alleles (0.00093%); highest among the groups gnomAD compares: Non-Finnish European, 0.0013%; no homozygotes.

Submissions (2):

Clinical Genomics Laboratory, Washington University in St. Louis
Classification: Uncertain significance for Pfeiffer syndrome. Last evaluated: 2026-03-24. Review status: criteria provided, single submitter. Criteria: ACMG Guidelines, 2015. Collection method: clinical testing. Allele origin: germline.
Comment: An FGFR1 c.1520G>T (p.Arg507Leu) variant was identified at a near heterozygous allelic fraction of 48.5%, a frequency which may be consistent with it being of germline origin. The FGFR1 c.1520G>T (p.Arg507Leu) variant, to our knowledge, has not been reported in the medical literature but has been reported in the ClinVar database as a germline variant of uncertain significance by one submitter (ClinVar ID: 2417326). It is only observed in 15/1,614,204 alleles in the general population (gnomAD v4.1.0), indicating it is not a common variant. Computational predictors are uncertain as to the impact of this variant on FGFR1 function. Due to limited information, and based on ACMG/AMP guidelines for variant interpretation (Richards S et al., PMID: 25741868), the clinical significance of this variant is uncertain at this time.

Labcorp Genetics (formerly Invitae), Labcorp
Classification: Uncertain significance for Pfeiffer syndrome; Hypogonadotropic hypogonadism 2 with or without anosmia. Last evaluated: 2022-09-25. Review status: criteria provided, single submitter. Criteria: Invitae Variant Classification Sherloc (09022015). Collection method: clinical testing. Allele origin: germline.
Comment: This variant is not present in population databases (gnomAD no frequency). This variant has not been reported in the literature in individuals affected with FGFR1-related conditions. Algorithms developed to predict the effect of missense changes on protein structure and function (SIFT, PolyPhen-2, Align-GVGD) all suggest that this variant is likely to be tolerated. In summary, the available evidence is currently insufficient to determine the role of this variant in disease. Therefore, it has been classified as a Variant of Uncertain Significance. This sequence change replaces arginine, which is basic and polar, with leucine, which is neutral and non-polar, at codon 507 of the FGFR1 protein (p.Arg507Leu).

NM_023110.3(FGFR1):c.1520G>T (p.Arg507Leu)

Gene: FGFR1 (fibroblast growth factor receptor 1; minus strand). Cytogenetic location: 8p11.23.
Variant type: single nucleotide variant.
Coding change: c.1520G>T on transcript NM_023110.3 (MANE Select); coding-DNA position 1520, G replaced by T.
Protein change: p.Arg507Leu; replaces arginine 507 with leucine.
Molecular consequence: missense variant.
Genome position (GRCh38, 1-based): chr8:38,417,902, C>A on the plus strand (G>T on the coding strand, the complement: FGFR1 is on the minus strand). VCF-style: chr8-38417902-C-A. GRCh37 (hg19) VCF-style: chr8-38275420-C-A.
Other names: c.1520G>T, p.Arg507Leu (NM_000604.2); c.1514G>T, p.Arg505Leu (NM_001174063.2, NM_001174065.2, NM_001354367.2 and 1 more transcripts); c.1490G>T, p.Arg497Leu (NM_001174064.2); c.1253G>T, p.Arg418Leu (NM_001174066.2, NM_023105.3); c.1613G>T, p.Arg538Leu (NM_001174067.2); c.1241G>T, p.Arg414Leu (NM_001354368.2); c.1508G>T, p.Arg503Leu (NM_001354369.2, NM_001410922.1); c.1247G>T, p.Arg416Leu (NM_001354370.2, NM_023106.3); short protein forms R414L, R416L, R418L, R497L, R503L, R505L, R507L, R538L.
Identifiers: ClinVar variation 2417326 (VCV002417326.7), dbSNP rs369356672, ClinGen allele CA370732972.